The following is an entry in ClinVar:

NM_025074.7(FRAS1):c.7841A>T (p.Tyr2614Phe)

Gene: FRAS1 (Fraser extracellular matrix complex subunit 1; plus strand). Cytogenetic location: 4q21.21.
Variant type: single nucleotide variant.
Coding change: c.7841A>T on transcript NM_025074.7 (MANE Select); coding-DNA position 7841, A replaced by T.
Protein change: p.Tyr2614Phe; replaces tyrosine 2614 with phenylalanine.
Molecular consequence: missense variant.
Genome position (GRCh38, 1-based): chr4:78,475,596, A>T. VCF-style: chr4-78475596-A-T. GRCh37 (hg19) VCF-style: chr4-79396750-A-T.
Other names: short protein forms Y2614F.
Identifiers: ClinVar variation 1302905 (VCV001302905.5), dbSNP rs749295873, ClinGen allele CA99950940.

ClinVar aggregate classification (germline): Uncertain significance. Review status: criteria provided, multiple submitters, no conflicts (2 of 4 stars). 3 submissions from 3 submitters: Uncertain significance (3). Last evaluated 2023-12-30.

Conditions:
Inborn genetic diseases. Identifiers: MedGen C0950123, MeSH D030342.

Allele frequency attached by ClinVar (database versions not stated): gnomAD exomes below 0.00001; gnomAD 0.00002; TOPMed 0.00004.
gnomAD v4.1: 6 of 1,580,114 alleles (0.00038%); highest among the groups gnomAD compares: Admixed American, 0.0068%; no homozygotes.

Submissions (3):

Ambry Genetics
Classification: Uncertain significance for Inborn genetic diseases. Last evaluated: 2023-12-30. Review status: criteria provided, single submitter. Criteria: Ambry Variant Classification Scheme 2023. Collection method: clinical testing. Allele origin: germline.

GeneDx
Classification: Uncertain significance. Last evaluated: 2023-05-08. Review status: criteria provided, single submitter. Criteria: GeneDx Variant Classification Process June 2021. Collection method: clinical testing. Allele origin: germline. Affected: yes.
Comment: Not observed at a significant frequency in large population cohorts (gnomAD); In silico analysis supports that this missense variant has a deleterious effect on protein structure/function; Has not been previously published as pathogenic or benign to our knowledge

Labcorp Genetics (formerly Invitae), Labcorp
Classification: Uncertain significance. Last evaluated: 2022-08-05. Review status: criteria provided, single submitter. Criteria: Invitae Variant Classification Sherloc (09022015). Collection method: clinical testing. Allele origin: germline.
Comment: This sequence change replaces tyrosine, which is neutral and polar, with phenylalanine, which is neutral and non-polar, at codon 2614 of the FRAS1 protein (p.Tyr2614Phe). This variant is present in population databases (no rsID available, gnomAD 0.0009%). This variant has not been reported in the literature in individuals affected with FRAS1-related conditions. ClinVar contains an entry for this variant (Variation ID: 1302905). Algorithms developed to predict the effect of missense changes on protein structure and function are either unavailable or do not agree on the potential impact of this missense change (SIFT: "Deleterious"; PolyPhen-2: "Probably Damaging"; Align-GVGD: "Class C15"). In summary, the available evidence is currently insufficient to determine the role of this variant in disease. Therefore, it has been classified as a Variant of Uncertain Significance.